The following is an entry in ClinVar:

NM_001849.4(COL6A2):c.3016G>C (p.Ala1006Pro)

Gene: COL6A2 (collagen type VI alpha 2 chain; plus strand). Cytogenetic location: 21q22.3.
Variant type: single nucleotide variant.
Coding change: c.3016G>C on transcript NM_001849.4 (MANE Select); coding-DNA position 3016, G replaced by C.
Protein change: p.Ala1006Pro; replaces alanine 1006 with proline.
Molecular consequence: missense variant.
Genome position (GRCh38, 1-based): chr21:46,132,508, G>C. VCF-style: chr21-46132508-G-C. GRCh37 (hg19) VCF-style: chr21-47552422-G-C.
Other names: short protein forms A1006P.
Identifiers: ClinVar variation 2766765 (VCV002766765.3), dbSNP rs1329172134, ClinGen allele CA410550665.

ClinVar aggregate classification (germline): Uncertain significance (1 of 4 stars; one submission).

Conditions:
Bethlem myopathy 1A. Also called: Bethlem myopathy 1; Bethlem Muscular Dystrophy; MYOPATHY, BENIGN CONGENITAL, WITH CONTRACTURES. Identifiers: Orphanet 610, MedGen CN029274, MONDO:0024530, OMIM 158810.

Submission:

Labcorp Genetics (formerly Invitae), Labcorp
Classification: Uncertain significance for Bethlem myopathy 1A. Last evaluated: 2023-10-07. Review status: criteria provided, single submitter. Criteria: Invitae Variant Classification Sherloc (09022015). Collection method: clinical testing. Allele origin: germline.
Comment: This sequence change replaces alanine, which is neutral and non-polar, with proline, which is neutral and non-polar, at codon 1006 of the COL6A2 protein (p.Ala1006Pro). This variant is not present in population databases (gnomAD no frequency). This variant has not been reported in the literature in individuals affected with COL6A2-related conditions. Advanced modeling of protein sequence and biophysical properties (such as structural, functional, and spatial information, amino acid conservation, physicochemical variation, residue mobility, and thermodynamic stability) performed at Invitae indicates that this missense variant is not expected to disrupt COL6A2 protein function. In summary, the available evidence is currently insufficient to determine the role of this variant in disease. Therefore, it has been classified as a Variant of Uncertain Significance.